The following is an entry in ClinVar:

ClinVar aggregate classification (germline): Uncertain significance. Review status: criteria provided, multiple submitters, no conflicts (2 of 4 stars). 2 submissions from 2 submitters: Uncertain significance (2). Last evaluated 2025-09-22.

Allele frequency attached by ClinVar (database versions not stated): TOPMed 0.00002; gnomAD 0.00001.

Submissions (2):

Dasa
Classification: Uncertain significance. Last evaluated: 2025-09-22. Review status: criteria provided, single submitter. Criteria: DASA Assertion Criteria. Collection method: clinical testing. Allele origin: germline.
Comment: NM_018684.4(ZC4H2):c.109G>A (p.Ala37Thr) is a missense variant that results in the substitution of alanine with threonine. This variant is rare in population databases. Computational prediction algorithms are consistent with a benign effect. The currently available literature and clinical evidence are not sufficient to establish a definitive association between this variant and the reported condition. Therefore, this variant is classified as a variant of uncertain significance.

Labcorp Genetics (formerly Invitae), Labcorp
Classification: Uncertain significance. Last evaluated: 2024-04-16. Review status: criteria provided, single submitter. Criteria: Invitae Variant Classification Sherloc (09022015). Collection method: clinical testing. Allele origin: germline.
Comment: This sequence change replaces alanine, which is neutral and non-polar, with threonine, which is neutral and polar, at codon 37 of the ZC4H2 protein (p.Ala37Thr). This variant is not present in population databases (gnomAD no frequency). This variant has not been reported in the literature in individuals affected with ZC4H2-related conditions. An algorithm developed to predict the effect of missense changes on protein structure and function (PolyPhen-2) suggests that this variant is likely to be tolerated. In summary, the available evidence is currently insufficient to determine the role of this variant in disease. Therefore, it has been classified as a Variant of Uncertain Significance.

NM_018684.4(ZC4H2):c.109G>A (p.Ala37Thr)

Gene: ZC4H2 (zinc finger C4H2-type containing; minus strand). Cytogenetic location: Xq11.2.
Variant type: single nucleotide variant.
Coding change: c.109G>A on transcript NM_018684.4 (MANE Select); coding-DNA position 109, G replaced by A.
Protein change: p.Ala37Thr; replaces alanine 37 with threonine.
Molecular consequence: missense variant. On other transcripts: non-coding transcript variant (1).
Genome position (GRCh38, 1-based): chrX:64,921,933, C>T on the plus strand (G>A on the coding strand, the complement: ZC4H2 is on the minus strand). VCF-style: chrX-64921933-C-T. GRCh37 (hg19) VCF-style: chrX-64141813-C-T.
Other names: c.40G>A, p.Ala14Thr (NM_001178032.3, NM_001243804.2); c.109G>A, p.Ala37Thr (NM_001178033.3); short protein forms A37T, A14T.
Identifiers: ClinVar variation 2916332 (VCV002916332.5), dbSNP rs1478527937, ClinGen allele CA413412358.